The following is an entry in ClinVar:

NM_003611.3(OFD1):c.1639A>G (p.Lys547Glu)

Gene: OFD1 (OFD1 centriole and centriolar satellite protein; plus strand). Cytogenetic location: Xp22.2.
Variant type: single nucleotide variant.
Coding change: c.1639A>G on transcript NM_003611.3 (MANE Select); coding-DNA position 1639, A replaced by G.
Protein change: p.Lys547Glu; replaces lysine 547 with glutamic acid.
Molecular consequence: missense variant.
Genome position (GRCh38, 1-based): chrX:13,758,433, A>G. VCF-style: chrX-13758433-A-G. GRCh37 (hg19) VCF-style: chrX-13776552-A-G.
Other names: c.1519A>G, p.Lys507Glu (NM_001330209.2); c.1219A>G, p.Lys407Glu (NM_001330210.2); short protein forms K547E, K407E, K507E.
Identifiers: ClinVar variation 1507244 (VCV001507244.7), dbSNP rs1054393663, ClinGen allele CA326119682.

ClinVar aggregate classification (germline): Uncertain significance. Review status: criteria provided, multiple submitters, no conflicts (2 of 4 stars). 2 submissions from 2 submitters: Uncertain significance (2). Last evaluated 2026-08-06.

Conditions:
Joubert syndrome. Also called: JOUBERT-BOLTSHAUSER SYNDROME; Familial aplasia of the vermis. Identifiers: Orphanet 475, MedGen C5979921, MONDO:0018772.
Orofaciodigital syndrome I (OFD1). Also called: OFDS I; Papillon-Leage and Psaume Syndrome; Oral-Facial-Digital Syndrome Type I. Identifiers: Orphanet 2750, MedGen C1510460, MONDO:0010702, OMIM 311200.

Allele frequency attached by ClinVar (database versions not stated): gnomAD exomes 0.00002 and below 0.00001; TOPMed below 0.00001.
gnomAD v4.1: 3 of 1,168,882 alleles (0.00026%); highest among the groups gnomAD compares: Admixed American, 0.0022%; no homozygotes.

Submissions (2):

OLLIN Analises Genomicas, OLLIN
Classification: Uncertain significance for Orofaciodigital syndrome I. Last evaluated: 2026-08-06. Review status: criteria provided, single submitter. Criteria: ACMG Guidelines 2015 PMID 25741868. Collection method: clinical testing. Allele origin: germline.
Comment: This missense variant, located in exon 15 (of 23), has been reported in ClinVar (accession VCV001507244.6) and in gnomAD with an allele frequency of 0.00026%. However, to our knowledge, it has not been reported in the scientific literature. In silico analysis is inconclusive regarding the impact of this variant. According to the currently available evidence, this variant has been classified as uncertain significance (PM2_P).

Labcorp Genetics (formerly Invitae), Labcorp
Classification: Uncertain significance for Orofaciodigital syndrome I; Joubert syndrome. Last evaluated: 2024-03-20. Review status: criteria provided, single submitter. Criteria: Invitae Variant Classification Sherloc (09022015). Collection method: clinical testing. Allele origin: germline.
Comment: This sequence change replaces lysine, which is basic and polar, with glutamic acid, which is acidic and polar, at codon 547 of the OFD1 protein (p.Lys547Glu). This variant is present in population databases (no rsID available, gnomAD 0.008%). This variant has not been reported in the literature in individuals affected with OFD1-related conditions. ClinVar contains an entry for this variant (Variation ID: 1507244). Advanced modeling of protein sequence and biophysical properties (such as structural, functional, and spatial information, amino acid conservation, physicochemical variation, residue mobility, and thermodynamic stability) has been performed at Invitae for this missense variant, however the output from this modeling did not meet the statistical confidence thresholds required to predict the impact of this variant on OFD1 protein function. In summary, the available evidence is currently insufficient to determine the role of this variant in disease. Therefore, it has been classified as a Variant of Uncertain Significance.